The following is an entry in ClinVar:

NM_152296.5(ATP1A3):c.1148T>C (p.Phe383Ser)

Gene: ATP1A3 (ATPase Na+/K+ transporting subunit alpha 3; minus strand). Cytogenetic location: 19q13.2.
Variant type: single nucleotide variant.
Coding change: c.1148T>C on transcript NM_152296.5 (MANE Select); coding-DNA position 1148, T replaced by C.
Protein change: p.Phe383Ser; replaces phenylalanine 383 with serine.
Molecular consequence: missense variant.
Genome position (GRCh38, 1-based): chr19:41,981,952, A>G on the plus strand (T>C on the coding strand, the complement: ATP1A3 is on the minus strand). VCF-style: chr19-41981952-A-G. GRCh37 (hg19) VCF-style: chr19-42486104-A-G.
Other names: c.1181T>C, p.Phe394Ser (NM_001256213.2); c.1187T>C, p.Phe396Ser (NM_001256214.2); short protein forms F383S, F394S, F396S.
Identifiers: ClinVar variation 3347438 (VCV003347438.1).

ClinVar aggregate classification (germline): Uncertain significance (0 of 4 stars; one submission).

Conditions:
ATP1A3-related disorder. Also called: ATP1A3-related condition; ATP1A3-related disorders. Identifiers: MedGen CN381097.

Submission:

PreventionGenetics, part of Exact Sciences
Classification: Uncertain significance for ATP1A3-related condition. Last evaluated: 2024-06-17. Review status: no assertion criteria provided. Collection method: clinical testing. Allele origin: germline.
Comment: The ATP1A3 c.1187T>C variant is predicted to result in the amino acid substitution p.Phe396Ser. To our knowledge, this variant has not been reported in the literature or in a large population database, indicating this variant is rare. At this time, the clinical significance of this variant is uncertain due to the absence of conclusive functional and genetic evidence.